The following is an entry in ClinVar:

NM_001754.5(RUNX1):c.585del (p.Thr196fs)

Genes: RUNX1 (RUNX family transcription factor 1; minus strand), RUNX1-AS1 (RUNX1 antisense RNA 1; plus strand). Cytogenetic location: 21q22.12.
Variant type: Deletion.
Coding change: c.585del on transcript NM_001754.5 (MANE Select); coding-DNA position 585, one base deleted (C; older notation c.585delC).
Protein change: p.Thr196fs; shifts the reading frame from threonine 196.
Molecular consequence: frameshift variant.
Genome position (GRCh38, 1-based): chr21:34,859,502, G deleted on the plus strand (C on the coding strand, the reverse complement: RUNX1 is on the minus strand). VCF-style (leftmost placement, unchanged base first): chr21-34859501-TG-T. GRCh37 (hg19) VCF-style: chr21-36231798-TG-T.
Other names: NM_001754.5(RUNX1):c.585del; p.Thr196fs; c.504del, p.Thr169fs (NM_001001890.3, NM_001122607.2); short protein forms T169fs, T196fs.
Identifiers: ClinVar variation 1438546 (VCV001438546.7), dbSNP rs2146235121, ClinGen allele CA2573157347.
Genomic context (GRCh38, chr21:34,859,501, plus strand): 5'-GAGGGTGTACCAGCCCCAAGTGGATGCACTTACTTCGAGGTTCTCGGGGCCCATCCACTG[TG>T]ATTTTGATGGCTCTGTGGTAGGTGGCGACTTGCGGTGGGTTTGTGAAGACAGTGATGGTC-3'

ClinVar aggregate classification (germline): Pathogenic. Review status: reviewed by expert panel (3 of 4 stars). 2 submissions from 2 submitters: Pathogenic (1). 1 of the submissions does not count toward it. Last evaluated 2024-08-01.

Conditions:
Hereditary thrombocytopenia and hematologic cancer predisposition syndrome. Identifiers: Orphanet 71290, MedGen CN281654, MONDO:0011071.
Hereditary thrombocytopenia and hematological cancer predisposition syndrome associated with RUNX1. Also called: Familial Platelet Disorder with Propensity to Acute Myelogenous Leukemia; Familial thrombocytopenia with propensity to acute myelogenous leukemia; RUNX1 Familial Platelet Disorder with Associated Myeloid Malignancies; PLATELET DISORDER, ASPIRIN-LIKE. Identifiers: Orphanet 71290, MedGen C1832388, MeSH C563324, MONDO:0100083, OMIM 601399.

Submissions (2):

ClinGen Myeloid Malignancy Variant Curation Expert Panel
Classification: Pathogenic for Hereditary thrombocytopenia and hematologic cancer predisposition syndrome. Last evaluated: 2024-08-01. Review status: reviewed by expert panel. Criteria: ClinGen MyeloMalig ACMG Specifications v2. Collection method: curation. Allele origin: germline. Inheritance: Autosomal dominant inheritance.
Comment: NM_001754.5(RUNX1):c.585del (p.Thr196GlnfsTer15) is a frameshift variant which is predicted to introduce a premature stop codon, resulting in nonsense-mediated mRNA decay and affecting all three isoforms (PVS1). This variant is downstream of c.98 (PM5_supporting). This variant is completely absent from all population databases with at least 20x coverage for RUNX1 (PM2_supporting). It has not been reported in individuals meeting at least one of the RUNX1 phenotypic criteria. In summary, this variant meets criteria to be classified as pathogenic. ACMG/AMP criteria applied, as specified by the Myeloid Malignancy Variant Curation Expert Panel for RUNX1: PVS1, PM2_supporting, PM5_supporting.

Labcorp Genetics (formerly Invitae), Labcorp
Classification: Pathogenic for Hereditary thrombocytopenia and hematological cancer predisposition syndrome associated with RUNX1. Last evaluated: 2021-08-28. Review status: criteria provided, single submitter. Criteria: Invitae Variant Classification Sherloc (09022015). Collection method: clinical testing. Allele origin: germline. Not counted in ClinVar's aggregate classification.
Comment: This variant is not present in population databases (ExAC no frequency). For these reasons, this variant has been classified as Pathogenic. This variant has not been reported in the literature in individuals affected with RUNX1-related conditions. This sequence change creates a premature translational stop signal (p.Thr196Glnfs*15) in the RUNX1 gene. It is expected to result in an absent or disrupted protein product. Loss-of-function variants in RUNX1 are known to be pathogenic (PMID: 18723428, 24100448).

Literature cited by the submitters: PubMed 18723428 (cited by Labcorp Genetics (formerly Invitae), Labcorp); PubMed 24100448 (cited by Labcorp Genetics (formerly Invitae), Labcorp).